The following is an entry in ClinVar:

ClinVar aggregate classification (germline): Likely benign (0 of 4 stars; one submission).

Conditions:
MEGF8-related disorder. Also called: MEGF8-related condition.

gnomAD v4.1: 1 of 1,609,474 alleles (0.000062%); highest among the groups gnomAD compares: South Asian, 0.0011%; no homozygotes.

Submission:

PreventionGenetics, part of Exact Sciences
Classification: Likely benign for MEGF8-related condition. Last evaluated: 2019-07-29. Review status: no assertion criteria provided. Collection method: clinical testing. Allele origin: germline.
Comment: This variant is classified as likely benign based on ACMG/AMP sequence variant interpretation guidelines (Richards et al. 2015 PMID: 25741868, with internal and published modifications).

NM_001271938.2(MEGF8):c.5337G>T (p.Leu1779=)

Gene: MEGF8 (multiple EGF like domains 8; plus strand). Cytogenetic location: 19q13.2.
Variant type: single nucleotide variant.
Coding change: c.5337G>T on transcript NM_001271938.2 (MANE Select); coding-DNA position 5337, G replaced by T.
Protein change: p.Leu1779=; no amino-acid change (leucine 1779 retained).
Molecular consequence: synonymous variant.
Genome position (GRCh38, 1-based): chr19:42,358,948, G>T. VCF-style: chr19-42358948-G-T. GRCh37 (hg19) VCF-style: chr19-42863100-G-T.
Other names: c.5136G>T, p.Leu1712= (NM_001410.3).
Identifiers: ClinVar variation 3035576 (VCV003035576.2), dbSNP rs2514318168, ClinGen allele CA507615078.